The following is an entry in ClinVar:

ClinVar aggregate classification (germline): Uncertain significance (1 of 4 stars; one submission).

Conditions:
Hereditary cancer-predisposing syndrome. Also called: Neoplastic Syndromes, Hereditary; Tumor predisposition; Hereditary neoplastic syndrome; Hereditary Cancer Syndrome. Identifiers: Orphanet 140162, MedGen C0027672, MeSH D009386, MONDO:0015356.

Submission:

Ambry Genetics
Classification: Uncertain significance for Hereditary cancer-predisposing syndrome. Last evaluated: 2019-02-18. Review status: criteria provided, single submitter. Criteria: Ambry Variant Classification Scheme 2023. Collection method: clinical testing. Allele origin: germline.
Comment: The p.L1131P variant (also known as c.3392T>C), located in coding exon 5 of the MSH6 gene, results from a T to C substitution at nucleotide position 3392. The leucine at codon 1131 is replaced by proline, an amino acid with similar properties. This amino acid position is highly conserved in available vertebrate species. In addition, this alteration is predicted to be deleterious by in silico analysis. Since supporting evidence is limited at this time, the clinical significance of this alteration remains unclear.

NM_000179.3(MSH6):c.3392T>C (p.Leu1131Pro)

Gene: MSH6 (mutS homolog 6; plus strand). Cytogenetic location: 2p16.3.
Variant type: single nucleotide variant.
Coding change: c.3392T>C on transcript NM_000179.3 (MANE Select); coding-DNA position 3392, T replaced by C.
Protein change: p.Leu1131Pro; replaces leucine 1131 with proline.
Molecular consequence: missense variant.
Genome position (GRCh38, 1-based): chr2:47,803,639, T>C. VCF-style: chr2-47803639-T-C. GRCh37 (hg19) VCF-style: chr2-48030778-T-C.
Other names: c.3002T>C, p.Leu1001Pro (NM_001281492.2); c.2486T>C, p.Leu829Pro (NM_001281494.2, NM_001281493.2); short protein forms L1001P, L1131P, L829P.
Identifiers: ClinVar variation 823715 (VCV000823715.4), dbSNP rs1572735992, ClinGen allele CA346758852.